The following is an entry in ClinVar:

NM_153490.3(KRT13):c.1227C>T (p.Leu409=)

Gene: KRT13 (keratin 13; minus strand). Cytogenetic location: 17q21.2.
Variant type: single nucleotide variant.
Coding change: c.1227C>T on transcript NM_153490.3 (MANE Select); coding-DNA position 1227, C replaced by T.
Protein change: p.Leu409=; no amino-acid change (leucine 409 retained).
Molecular consequence: synonymous variant.
Genome position (GRCh38, 1-based): chr17:41,502,391, G>A on the plus strand (C>T on the coding strand, the complement: KRT13 is on the minus strand). VCF-style: chr17-41502391-G-A. GRCh37 (hg19) VCF-style: chr17-39658643-G-A.
Other names: c.1227C>T, p.Leu409= (NM_002274.4).
Identifiers: ClinVar variation 323077 (VCV000323077.5), dbSNP rs149077503, ClinGen allele CA8560484.

ClinVar aggregate classification (germline): Benign (1 of 4 stars; one submission).

Conditions:
White sponge nevus 2 (WSN2). Identifiers: MedGen C4014321, MONDO:0014346, OMIM 615785.

Allele frequency attached by ClinVar (database versions not stated): gnomAD 0.00003; TOPMed 0.00005; ESP Exome Variant Server 0.00015; 1000 Genomes Project 30x 0.00016; 1000 Genomes Project 0.00020.
gnomAD v4.1: 57 of 1,614,202 alleles (0.0035%); highest among the groups gnomAD compares: African/African-American, 0.012%; no homozygotes.

Submission:

Illumina Laboratory Services, Illumina
Classification: Benign for White sponge nevus 2. Last evaluated: 2018-01-13. Review status: criteria provided, single submitter. Criteria: ICSL Variant Classification Criteria 13 December 2019. Collection method: clinical testing. Allele origin: germline.
Comment: This variant was observed in the ICSL laboratory as part of a predisposition screen in an ostensibly healthy population. It had not been previously curated by ICSL or reported in the Human Gene Mutation Database (HGMD: prior to June 1st, 2018), and was therefore a candidate for classification through an automated scoring system. Utilizing variant allele frequency, disease prevalence and penetrance estimates, and inheritance mode, an automated score was calculated to assess if this variant is too frequent to cause the disease. Based on the score and internal cut-off values, a variant classified as benign is not then subjected to further curation. The score for this variant resulted in a classification of benign for this disease.